The following is an entry in ClinVar:

NM_024334.3(TMEM43):c.586C>G (p.Leu196Val)

Gene: TMEM43 (transmembrane protein 43; plus strand). Cytogenetic location: 3p25.1.
Variant type: single nucleotide variant.
Coding change: c.586C>G on transcript NM_024334.3 (MANE Select); coding-DNA position 586, C replaced by G.
Protein change: p.Leu196Val; replaces leucine 196 with valine.
Molecular consequence: missense variant.
Genome position (GRCh38, 1-based): chr3:14,134,772, C>G. VCF-style: chr3-14134772-C-G. GRCh37 (hg19) VCF-style: chr3-14176272-C-G.
Other names: c.589C>G, p.Leu197Val (NM_001407274.1); c.586C>G, p.Leu196Val (NM_001407275.1, NM_001407276.1, NM_001407277.1 and 1 more transcripts); c.571C>G, p.Leu191Val (NM_001407278.1); c.436C>G, p.Leu146Val (NM_001407280.1); short protein forms L146V, L191V, L196V, L197V.
Identifiers: ClinVar variation 3386082 (VCV003386082.2).

ClinVar aggregate classification (germline): Uncertain significance. Review status: criteria provided, multiple submitters, no conflicts (2 of 4 stars). 2 submissions from 2 submitters: Uncertain significance (2). Last evaluated 2025-09-10.

Conditions:
Arrhythmogenic right ventricular dysplasia 5. Also called: Arrhythmogenic Right Ventricular Dysplasia/Cardiomyopathy 5; ARRHYTHMOGENIC RIGHT VENTRICULAR DYSPLASIA, FAMILIAL, 5. Identifiers: MedGen C1858379, MONDO:0011459, OMIM 604400.
Cardiovascular phenotype. Identifiers: MedGen CN230736.

Submissions (2):

Ambry Genetics
Classification: Uncertain significance for Cardiovascular phenotype. Last evaluated: 2025-09-10. Review status: criteria provided, single submitter. Criteria: Ambry Variant Classification Scheme 2023. Collection method: clinical testing. Allele origin: germline.

All of Us Research Program, National Institutes of Health
Classification: Uncertain significance for Arrhythmogenic right ventricular dysplasia 5. Last evaluated: 2024-05-24. Review status: criteria provided, single submitter. Criteria: ACMG Guidelines, 2015. Collection method: clinical testing. Allele origin: germline. Inheritance: Autosomal dominant inheritance. Observed: 1 variant allele, 1 heterozygote.
Comment: This study involves interpretation of variants in research participants for the purpose of population health screening. Participant phenotype was not available at the time of variant classification. Additional details can be found in publication PMID: 35346344, PMCID: PMC8962531